The following is an entry in ClinVar:

ClinVar aggregate classification (germline): Benign. Review status: criteria provided, multiple submitters, no conflicts (2 of 4 stars). 2 submissions from 2 submitters: Benign (2). Last evaluated 2018-01-13.

Conditions:
RFT1-congenital disorder of glycosylation (CDG1N). Also called: Congenital disorder of glycosylation type In; CDG In; RFT1-CDG. Identifiers: Orphanet 244310, MedGen C2677590, MONDO:0012783, OMIM 612015.

Allele frequency attached by ClinVar (database versions not stated): gnomAD exomes 0.00219; gnomAD 0.00724 and 0.01282; TOPMed 0.01079; 1000 Genomes Project 30x 0.05403; 1000 Genomes Project 0.05451.
gnomAD v4.1: 1,929 of 152,764 alleles (1.3%); highest among the groups gnomAD compares: South Asian, 17%; 115 homozygotes.

Submissions (2):

Illumina Laboratory Services, Illumina
Classification: Benign for RFT1-congenital disorder of glycosylation. Last evaluated: 2018-01-13. Review status: criteria provided, single submitter. Criteria: ICSL Variant Classification Criteria 13 December 2019. Collection method: clinical testing. Allele origin: germline.
Comment: This variant was observed in the ICSL laboratory as part of a predisposition screen in an ostensibly healthy population. It had not been previously curated by ICSL or reported in the Human Gene Mutation Database (HGMD: prior to June 1st, 2018), and was therefore a candidate for classification through an automated scoring system. Utilizing variant allele frequency, disease prevalence and penetrance estimates, and inheritance mode, an automated score was calculated to assess if this variant is too frequent to cause the disease. Based on the score and internal cut-off values, a variant classified as benign is not then subjected to further curation. The score for this variant resulted in a classification of benign for this disease.

Breakthrough Genomics
Classification: Benign. Review status: criteria provided, single submitter. Criteria: ACMG Guidelines, 2015. Collection method: not provided. Allele origin: germline. Inheritance: Autosomal recessive inheritance. Affected: yes.

NM_052859.4(RFT1):c.*1533G>A

Gene: RFT1 (RFT1 glycolipid translocator homolog; minus strand). Cytogenetic location: 3p21.1.
Variant type: single nucleotide variant.
Coding change: c.*1533G>A on transcript NM_052859.4 (MANE Select); 1533 bases downstream of the stop codon, G replaced by A.
Molecular consequence: 3 prime UTR variant.
Genome position (GRCh38, 1-based): chr3:53,090,370, C>T on the plus strand (G>A on the coding strand, the complement: RFT1 is on the minus strand). VCF-style: chr3-53090370-C-T. GRCh37 (hg19) VCF-style: chr3-53124386-C-T.
Identifiers: ClinVar variation 346165 (VCV000346165.6), dbSNP rs139197209, ClinGen allele CA10616427.